The following is an entry in ClinVar:

NM_020207.7(ERCC6L2):c.1235T>C (p.Ile412Thr)

Gene: ERCC6L2 (ERCC excision repair 6 like 2; plus strand). Cytogenetic location: 9q22.32.
Variant type: single nucleotide variant.
Coding change: c.1235T>C on transcript NM_020207.7 (MANE Select); coding-DNA position 1235, T replaced by C.
Protein change: p.Ile412Thr; replaces isoleucine 412 with threonine.
Molecular consequence: missense variant. On other transcripts: non-coding transcript variant (1).
Genome position (GRCh38, 1-based): chr9:95,921,251, T>C. VCF-style: chr9-95921251-T-C. GRCh37 (hg19) VCF-style: chr9-98683533-T-C.
Other names: c.1235T>C, p.Ile412Thr (NM_001010895.4, NM_001375291.1, NM_001375292.1 and 2 more transcripts); short protein forms I412T.
Identifiers: ClinVar variation 4870577 (VCV004870577.1).

ClinVar aggregate classification (germline): Uncertain significance (1 of 4 stars; one submission).

Conditions:
Inborn genetic diseases. Identifiers: MedGen C0950123, MeSH D030342.

Submission:

Ambry Genetics
Classification: Uncertain significance for Inborn genetic diseases. Last evaluated: 2026-03-24. Review status: criteria provided, single submitter. Criteria: Ambry Variant Classification Scheme 2023. Collection method: clinical testing. Allele origin: germline.
Comment: The p.I412T variant (also known as c.1235T>C), located in coding exon 7 of the ERCC6L2 gene, results from a T to C substitution at nucleotide position 1235. The isoleucine at codon 412 is replaced by threonine, an amino acid with similar properties. This amino acid position is conserved. In addition, the in silico prediction for this alteration is inconclusive. Based on the available evidence, the clinical significance of this variant remains unclear.